The following is an entry in ClinVar:

ClinVar aggregate classification (germline): Uncertain significance. Review status: criteria provided, multiple submitters, no conflicts (2 of 4 stars). 2 submissions from 2 submitters: Uncertain significance (2). Last evaluated 2021-08-14.

Conditions:
Cenani-Lenz syndactyly syndrome. Also called: CENANI SYNDACTYLISM; SYNDACTYLY, TYPE VII. Identifiers: Orphanet 3258, MedGen C1859309, MONDO:0008931, OMIM 212780.
Congenital myasthenic syndrome 17. Identifiers: Orphanet 590, MedGen C4225377, MONDO:0014578, OMIM 616304.
Sclerosteosis 2 (SOST2). Identifiers: Orphanet 3152, MedGen C3280402, MONDO:0013679, OMIM 614305.

Allele frequency attached by ClinVar (database versions not stated): gnomAD exomes below 0.00001 and 0.00001; ExAC 0.00001; gnomAD 0.00001; TOPMed 0.00001.
gnomAD v4.1: 16 of 1,614,042 alleles (0.00099%); highest among the groups gnomAD compares: East Asian, 0.02%; no homozygotes.

Submissions (2):

Labcorp Genetics (formerly Invitae), Labcorp
Classification: Uncertain significance for Cenani-Lenz syndactyly syndrome; Sclerosteosis 2; Congenital myasthenic syndrome 17. Last evaluated: 2021-08-14. Review status: criteria provided, single submitter. Criteria: Invitae Variant Classification Sherloc (09022015). Collection method: clinical testing. Allele origin: germline.
Comment: This sequence change replaces arginine with cysteine at codon 611 of the LRP4 protein (p.Arg611Cys). The arginine residue is highly conserved and there is a large physicochemical difference between arginine and cysteine. This variant is present in population databases (rs771793515, ExAC 0.006%). This variant has not been reported in the literature in individuals affected with LRP4-related conditions. Algorithms developed to predict the effect of missense changes on protein structure and function (SIFT, PolyPhen-2, Align-GVGD) all suggest that this variant is likely to be disruptive. In summary, the available evidence is currently insufficient to determine the role of this variant in disease. Therefore, it has been classified as a Variant of Uncertain Significance.

Stomatology Center, Xiangya Hospital, Central South University
Classification: Uncertain significance for Sclerosteosis 2. Review status: criteria provided, single submitter. Criteria: ACMG Guidelines, 2015. Collection method: research. Allele origin: unknown. Affected: yes. Observed: 1 heterozygote.
Comment: This mutation is rated at PM2 according to ACMG guildlines: absent from controls (or at extremely low frequency if recessive) in Exome Sequencing Project, 1000 Genomes Project, or Exome Aggregation.

NM_002334.4(LRP4):c.1831C>T (p.Arg611Cys)

Gene: LRP4 (LDL receptor related protein 4; minus strand). Cytogenetic location: 11p11.2.
Variant type: single nucleotide variant.
Coding change: c.1831C>T on transcript NM_002334.4 (MANE Select); coding-DNA position 1831, C replaced by T.
Protein change: p.Arg611Cys; replaces arginine 611 with cysteine.
Molecular consequence: missense variant.
Genome position (GRCh38, 1-based): chr11:46,890,361, G>A on the plus strand (C>T on the coding strand, the complement: LRP4 is on the minus strand). VCF-style: chr11-46890361-G-A. GRCh37 (hg19) VCF-style: chr11-46911912-G-A.
Other names: short protein forms R611C.
Identifiers: ClinVar variation 1376708 (VCV001376708.6), dbSNP rs771793515, ClinGen allele CA5970037.